The following is an entry in ClinVar:

NM_000257.4(MYH7):c.5779A>T (p.Ile1927Phe)

Gene: MYH7 (myosin heavy chain 7; minus strand). Cytogenetic location: 14q11.2.
Variant type: single nucleotide variant.
Coding change: c.5779A>T on transcript NM_000257.4 (MANE Select); coding-DNA position 5779, A replaced by T.
Protein change: p.Ile1927Phe; replaces isoleucine 1927 with phenylalanine.
Molecular consequence: missense variant.
Genome position (GRCh38, 1-based): chr14:23,413,770, T>A on the plus strand (A>T on the coding strand, the complement: MYH7 is on the minus strand). VCF-style: chr14-23413770-T-A. GRCh37 (hg19) VCF-style: chr14-23882979-T-A.
Other names: short protein forms I1927F.
Identifiers: ClinVar variation 487639 (VCV000487639.35), dbSNP rs767300277, ClinGen allele CA048224.

ClinVar aggregate classification (germline): Conflicting classifications of pathogenicity. Review status: criteria provided, conflicting classifications (1 of 4 stars). 13 submissions from 13 submitters: Uncertain significance (10); Likely benign (1). 2 of the submissions do not count toward it. Last evaluated 2026-07-01.

Conditions:
Cardiovascular phenotype. Identifiers: MedGen CN230736.
Cardiomyopathy (CMYO). Also called: Cardiomyopathies. Identifiers: Orphanet 167848, MedGen C0878544, MONDO:0004994, HP:0001638. Inheritance: Various modes of inheritance.
Wolff-Parkinson-White pattern. Also called: Auriculoventricular accessory pathway syndrome; False bundle branch block syndrome; Anomalous ventricular excitation syndrome; WPW SYNDROME. Identifiers: MedGen C0043202, MONDO:0008685, OMIM 194200, HP:0001716.
Hypertrophic cardiomyopathy. Also called: HYPERTROPHIC MYOCARDIOPATHY. Identifiers: Orphanet 217569, MedGen C0007194, MeSH D002312, MONDO:0005045, HP:0001639.

Allele frequency attached by ClinVar (database versions not stated): ExAC 0.00003; gnomAD exomes 0.00004; TOPMed 0.00004; gnomAD 0.00006.

Submissions (13):

CeGaT Center for Human Genetics Tuebingen
Classification: Uncertain significance. Last evaluated: 2026-07-01. Review status: criteria provided, single submitter. Criteria: CeGaT Center For Human Genetics Tuebingen Variant Classification Criteria Version 2. Collection method: clinical testing. Allele origin: germline. Affected: yes. Observed: 1 variant allele.
Comment: MYH7: PM2, PS4:Moderate, BP4, BP5

Dasa
Classification: Uncertain significance. Last evaluated: 2026-01-04. Review status: criteria provided, single submitter. Criteria: DASA Assertion Criteria. Collection method: clinical testing. Allele origin: germline.
Comment: NM_000257.4(MYH7):c.5779A>T (p.Ile1927Phe) is a missense variant that results in the substitution of isoleucine with phenylalanine. Multiple computational predictions support a deleterious effect on the gene or gene product. The variant is present at low frequency in population datasets. Based on the available data, this variant is classified as variant of uncertain significance.

Ambry Genetics
Classification: Uncertain significance for Cardiovascular phenotype. Last evaluated: 2025-07-11. Review status: criteria provided, single submitter. Criteria: Ambry Variant Classification Scheme 2023. Collection method: clinical testing. Allele origin: germline.
Comment: The p.I1927F variant (also known as c.5779A>T), located in coding exon 37 of the MYH7 gene, results from an A to T substitution at nucleotide position 5779. The isoleucine at codon 1927 is replaced by phenylalanine, an amino acid with highly similar properties. This variant was identified in one or more individuals with features consistent with hypertrophic cardiomyopathy (additional variants were detected in some cases and/or clinical detail was often limited) and segregated with disease in at least one family (Fokstuen S et al. Hum. Mutat. 2008;29:879-85; Millat G et al. Eur J Med Genet;53:261-7; Teirlinck CH et al. BMC Med. Genet. 2012;13:105; Lopes LR et al. Heart. 2015;101:294-301; Claes GR et al. Eur. Heart J. 2016;37:1815-22; Jaafar N et al. Genet Test Mol Biomarkers, 2016 Nov;20:674-679; G&oacute;mez J et al. Circ Cardiovasc Genet, 2017 Apr;10; Escrib&aacute; R et al. Circ Res. 2023 Jul;133(2):108-119). This variant was also detected in an individual with axial and distal upper and lower limb weakness but no cardiac involvement (Fiorillo C et al. Orphanet J Rare Dis. 2016;11:91). This amino acid position is not well conserved in available vertebrate species. In addition, the in silico prediction for this alteration is inconclusive. Based on the available evidence, the clinical significance of this variant remains unclear.

Molecular Diagnostic Laboratory for Inherited Cardiovascular Disease, Montreal Heart Institute
Classification: Uncertain significance for Cardiovascular phenotype. Last evaluated: 2025-04-08. Review status: criteria provided, single submitter. Criteria: ACMG Guidelines, 2015. Collection method: clinical testing. Allele origin: germline. Affected: yes.
Comment: PS4_mod, PM2, BP4

Blueprint Genetics
Classification: Likely benign. Last evaluated: 2024-11-27. Review status: criteria provided, single submitter. Criteria: ACMG Guidelines, 2015. Collection method: clinical testing. Allele origin: germline.

Labcorp Genetics (formerly Invitae), Labcorp
Classification: Uncertain significance for Hypertrophic cardiomyopathy. Last evaluated: 2024-11-21. Review status: criteria provided, single submitter. Criteria: Invitae Variant Classification Sherloc (09022015). Collection method: clinical testing. Allele origin: germline.
Comment: This sequence change replaces isoleucine, which is neutral and non-polar, with phenylalanine, which is neutral and non-polar, at codon 1927 of the MYH7 protein (p.Ile1927Phe). This variant is present in population databases (rs767300277, gnomAD 0.009%). This missense change has been observed in individuals with hypertrophic cardiomyopathy or myopathy. However, at least one individual also carried a different variant in another cardiac-related gene that has been determined to be pathogenic. Therefore, the clinical significance of this MYH7 variant is unclear. (PMID: 18409188, 20624503, 26497160, 27387980, 27574918, 28771489, 37317833). ClinVar contains an entry for this variant (Variation ID: 487639). Invitae Evidence Modeling of protein sequence and biophysical properties (such as structural, functional, and spatial information, amino acid conservation, physicochemical variation, residue mobility, and thermodynamic stability) indicates that this missense variant is not expected to disrupt MYH7 protein function with a negative predictive value of 95%. In summary, the available evidence is currently insufficient to determine the role of this variant in disease. Therefore, it has been classified as a Variant of Uncertain Significance.

All of Us Research Program, National Institutes of Health
Classification: Uncertain significance for Cardiomyopathy. Last evaluated: 2024-06-09. Review status: criteria provided, single submitter. Criteria: ACMG Guidelines, 2015. Collection method: clinical testing. Allele origin: germline. Inheritance: Autosomal dominant inheritance. Observed: 13 variant alleles, 13 heterozygotes.
Comment: This missense variant replaces isoleucine with phenylalanine at codon 1927 of the MYH7 protein. Computational prediction suggests that this variant may not impact protein structure and function (internally defined REVEL score threshold <= 0.5, PMID: 27666373). To our knowledge, functional studies have not been performed for this variant. This variant has been reported in multiple unrelated individuals affected with hypertrophic cardiomyopathy (PMID: 18409188, 20624503, 20800588, 21239446, 23140321, 27574918, 28771489, 30696458, 32268277, 33495597). One of these individuals also carried another pathogenic variant in the MYBPC3 gene (PMID: 20624503). This variant has been reported in three related individuals (PMID: 26497160). Two of them were affected with hypertrophic cardiomyopathy, and also carried a pathogenic variant in the MYL2 gene that could explain the observed phenotype. The other carrier in the family was not diagnosed with cardiovascular disease. This variant has been reported in an individual affected with limb-girdle muscular dystrophy with no cardiac involvement (PMID: 25214167, 27387980). This variant has also been identified in 13/282718 chromosomes in the general population by the Genome Aggregation Database (gnomAD). In summary, although this variant has been reported in multiple affected individuals, it has also been reported in individuals carrying different pathogenic variants that could explain the observed disease, as well as in individuals with no cardiac involvement. The available evidence is insufficient to determine the role of this variant in disease conclusively. Therefore, this variant is classified as a Variant of Uncertain Significance.

This study involves interpretation of variants in research participants for the purpose of population health screening. Participant phenotype was not available at the time of variant classification. Additional details can be found in publication PMID: 35346344, PMCID: PMC8962531

Color Diagnostics, LLC DBA Color Health
Classification: Uncertain significance for Cardiomyopathy. Last evaluated: 2024-03-22. Review status: criteria provided, single submitter. Criteria: ACMG Guidelines, 2015. Collection method: clinical testing. Allele origin: germline.
Comment: This missense variant replaces isoleucine with phenylalanine at codon 1927 of the MYH7 protein. Computational prediction tools indicate that this variant has a neutral impact on protein structure and function. To our knowledge, functional studies have not been performed for this variant. This variant has been reported in multiple unrelated individuals affected with hypertrophic cardiomyopathy (PMID: 18409188, 20624503, 20800588, 21239446, 23140321, 27574918, 28771489, 30696458, 32268277, 33495597, 37317833). Two of these individuals also carried other pathogenic variants in the MYBPC3 gene (PMID: 20624503, 37317833). This variant has been reported in three related individuals (PMID: 26497160). Two of them were affected with hypertrophic cardiomyopathy, and also carried a pathogenic variant in the MYL2 gene that could explain the observed phenotype. The other carrier in the family was not diagnosed with cardiovascular disease. Additionally, this variant has been reported in one individual affected with limb-girdle muscular dystrophy with no cardiac involvement (PMID: 25214167, 27387980). This variant has also been identified in 13/282718 chromosomes in the general population by the Genome Aggregation Database (gnomAD). In summary, although this variant has been reported in multiple affected individuals, it has also been reported in individuals carrying different pathogenic variants that could explain the observed disease, as well as in individuals with no cardiac involvement. The available evidence is insufficient to determine the role of this variant in disease conclusively. Therefore, this variant is classified as a Variant of Uncertain Significance.

CHEO Genetics Diagnostic Laboratory, Children's Hospital of Eastern Ontario
Classification: Uncertain significance for Cardiomyopathy. Last evaluated: 2023-03-06. Review status: criteria provided, single submitter. Criteria: ACMG Guidelines, 2015. Collection method: clinical testing. Allele origin: germline.

GeneDx
Classification: Uncertain significance. Last evaluated: 2022-02-11. Review status: criteria provided, single submitter. Criteria: GeneDx Variant Classification Process June 2021. Collection method: clinical testing. Allele origin: germline. Affected: yes.
Comment: Observed in multiple individuals with HCM in the published literature and at GeneDx, however, at least one family harbored a co-occurring pathogenic variant (Fokstuen et al, 2008; Millat et al, 2010; Claes et al., 2016; Gomez et al., 2017); Reported in an individual with childhood onset axial and distal limb weakness and no cardiac involvement or known family history (Fiorillo et al., 2016); In silico analysis supports that this missense variant does not alter protein structure/function; This variant is associated with the following publications: (PMID: 28356264, 21239446, 20624503, 27387980, 32268277, 26497160, 25214167, 18409188)

Revvity Omics, Revvity
Classification: Uncertain significance. Last evaluated: 2022-01-10. Review status: criteria provided, single submitter. Criteria: ACMG Guidelines, 2015. Collection method: clinical testing. Allele origin: germline.

Lupski Lab, Baylor-Hopkins CMG, Baylor College of Medicine
Classification: Uncertain significance for Wolff-Parkinson-White pattern. Last evaluated: 2017-07-14. Review status: no assertion criteria provided. Collection method: research. Allele origin: inherited. Affected: yes. Observed: 1 variant allele. Study: Candidate_variants_in_patients_with_ Wolff-Parkinson-White Syndrome. Not counted in ClinVar's aggregate classification.

Clinical Genetics DNA and cytogenetics Diagnostics Lab, Erasmus MC, Erasmus Medical Center
Classification: Uncertain significance. Review status: no assertion criteria provided. Collection method: clinical testing. Allele origin: germline. Affected: yes. Study: VKGL Data-share Consensus. Not counted in ClinVar's aggregate classification.

Literature cited by the submitters: PubMed 18409188 (cited by 4 submitters); PubMed 20624503 (cited by 4 submitters); PubMed 21239446 (cited by 3 submitters); PubMed 23140321 (cited by 3 submitters); PubMed 25214167 (cited by 3 submitters); PubMed 25351510 (cited by Ambry Genetics); PubMed 26497160 (cited by 4 submitters); PubMed 27387980 (cited by 4 submitters); PubMed 27574918 (cited by 4 submitters); PubMed 28356264 (cited by Ambry Genetics); PubMed 37317833 (cited by 3 submitters); PubMed 28771489 (cited by 3 submitters); PubMed 20800588 (cited by All of Us Research Program, National Institutes of Health and Color Diagnostics, LLC DBA Color Health); PubMed 30696458 (cited by All of Us Research Program, National Institutes of Health and Color Diagnostics, LLC DBA Color Health); PubMed 32268277 (cited by All of Us Research Program, National Institutes of Health and Color Diagnostics, LLC DBA Color Health); PubMed 33495597 (cited by All of Us Research Program, National Institutes of Health and Color Diagnostics, LLC DBA Color Health).